The following is an entry in ClinVar:

NM_000632.4(ITGAM):c.1403G>T (p.Ser468Ile)

Gene: ITGAM (integrin subunit alpha M; plus strand). Cytogenetic location: 16p11.2.
Variant type: single nucleotide variant.
Coding change: c.1403G>T on transcript NM_000632.4 (MANE Select); coding-DNA position 1403, G replaced by T.
Protein change: p.Ser468Ile; replaces serine 468 with isoleucine.
Molecular consequence: missense variant.
Genome position (GRCh38, 1-based): chr16:31,297,560, G>T. VCF-style: chr16-31297560-G-T. GRCh37 (hg19) VCF-style: chr16-31308881-G-T.
Other names: c.1403G>T, p.Ser468Ile (NM_001145808.2); short protein forms S468I.
Identifiers: ClinVar variation 4782307 (VCV004782307.1).

ClinVar aggregate classification (germline): Uncertain significance (1 of 4 stars; one submission).

gnomAD v4.1: 8 of 1,612,216 alleles (0.0005%); highest among the groups gnomAD compares: Non-Finnish European, 0.00051%; no homozygotes.

Submission:

Labcorp Genetics (formerly Invitae), Labcorp
Classification: Uncertain significance. Last evaluated: 2025-04-30. Review status: criteria provided, single submitter. Criteria: Invitae Variant Classification Sherloc (09022015). Collection method: clinical testing. Allele origin: germline.
Comment: This sequence change replaces serine, which is neutral and polar, with isoleucine, which is neutral and non-polar, at codon 468 of the ITGAM protein (p.Ser468Ile). This variant is not present in population databases (gnomAD no frequency). This variant has not been reported in the literature in individuals affected with ITGAM-related conditions. An algorithm developed to predict the effect of missense changes on protein structure and function (PolyPhen-2) suggests that this variant is likely to be tolerated. In summary, the available evidence is currently insufficient to determine the role of this variant in disease. Therefore, it has been classified as a Variant of Uncertain Significance.